The following is an entry in ClinVar:

ClinVar aggregate classification (germline): Conflicting classifications of pathogenicity. Review status: criteria provided, conflicting classifications (1 of 4 stars). 9 submissions from 9 submitters: Uncertain significance (2); Likely benign (6). 1 of the submissions does not count toward it. Last evaluated 2026-01-18.

Conditions:
Charcot-Marie-Tooth disease axonal type 2U. Also called: CHARCOT-MARIE-TOOTH NEUROPATHY, TYPE 2U; CHARCOT-MARIE-TOOTH DISEASE, AXONAL, AUTOSOMAL DOMINANT, TYPE 2U. Identifiers: Orphanet 397735, MedGen C4084821, MONDO:0014566, OMIM 616280.
Severe early-onset pulmonary alveolar proteinosis due to MARS deficiency. Also called: PULMONARY ALVEOLAR PROTEINOSIS, REUNION ISLAND; Interstitial lung and liver disease. Identifiers: Orphanet 440427, MedGen C4225400, MONDO:0014206, OMIM 615486.
Charcot-Marie-Tooth disease. Also called: Charcot-Marie-Tooth Hereditary Neuropathy; Charcot-Marie-Tooth Neuropathy. Identifiers: Orphanet 166, MedGen C0007959, MONDO:0015626.
MARS1-related disorder. Also called: MARS1-related condition.

Allele frequency attached by ClinVar (database versions not stated): 1000 Genomes Project 30x 0.00016; 1000 Genomes Project 0.00020; gnomAD 0.00068; gnomAD exomes 0.00078 and 0.00081; ExAC 0.00091; TOPMed 0.00100; ESP Exome Variant Server 0.00108.
gnomAD v4.1: 1,300 of 1,611,908 alleles (0.081%); highest among the groups gnomAD compares: Middle Eastern, 0.4%; 1 homozygote.

Submissions (21):

Labcorp Genetics (formerly Invitae), Labcorp
Classification: Uncertain significance for Charcot-Marie-Tooth disease axonal type 2U; Severe early-onset pulmonary alveolar proteinosis due to MARS deficiency. Last evaluated: 2026-01-18. Review status: criteria provided, single submitter. Criteria: Invitae Variant Classification Sherloc (09022015). Collection method: clinical testing. Allele origin: germline.
Comment: This sequence change affects codon 797 of the MARS mRNA. It is a 'silent' change, meaning that it does not change the encoded amino acid sequence of the MARS protein. It affects a nucleotide within the consensus splice site. This variant is present in population databases (rs140573721, gnomAD 0.1%), and has an allele count higher than expected for a pathogenic variant. This variant has not been reported in the literature in individuals affected with MARS-related conditions. ClinVar contains an entry for this variant (Variation ID: 389593). Algorithms developed to predict the effect of sequence changes on RNA splicing suggest that this variant may disrupt the consensus splice site. In summary, the available evidence is currently insufficient to determine the role of this variant in disease. Therefore, it has been classified as a Variant of Uncertain Significance.

Women's Health and Genetics/Laboratory Corporation of America, LabCorp
Classification: Uncertain significance. Last evaluated: 2025-12-22. Review status: criteria provided, single submitter. Criteria: LabCorp Variant Classification Summary - May 2015. Collection method: clinical testing. Allele origin: germline.
Comment: Variant summary: MARS1 c.2391A>C (p.Thr797Thr) alters a nucleotide located close to a canonical splice site and therefore could affect mRNA splicing, leading to a significantly altered protein sequence. Consensus agreement among computation tools predict no significant impact on normal splicing. However, these predictions have yet to be confirmed by functional studies. The variant allele was found at a frequency of 0.00074 in 280058 control chromosomes. This frequency is not significantly higher than estimated for disease-causing variants in MARS1, allowing no conclusion about variant significance. To our knowledge, no occurrence of c.2391A>C in individuals affected with MARS1-related conditions and no experimental evidence demonstrating its impact on protein function have been reported. ClinVar contains an entry for this variant (Variation ID: 389593). Based on the evidence outlined above, the variant was classified as uncertain significance.

Blueprint Genetics
Classification: Likely benign. Last evaluated: 2024-11-07. Review status: criteria provided, single submitter. Criteria: ACMG Guidelines, 2015. Collection method: clinical testing. Allele origin: germline.

Mayo Clinic Laboratories, Mayo Clinic
Classification: Likely benign. Last evaluated: 2024-03-05. Review status: criteria provided, single submitter. Criteria: ACMG Guidelines, 2015. Collection method: clinical testing. Allele origin: germline. Observed: 7 variant alleles.
Comment: BS1

CeGaT Center for Human Genetics Tuebingen
Classification: Likely benign. Last evaluated: 2021-03-01. Review status: criteria provided, single submitter. Criteria: CeGaT Center For Human Genetics Tuebingen Variant Classification Criteria Version 2. Collection method: clinical testing. Allele origin: germline. Affected: yes. Observed: 1 variant allele.

Ambry Genetics
Classification: Likely benign. Last evaluated: 2020-04-14. Review status: criteria provided, single submitter. Criteria: Ambry Variant Classification Scheme 2023. Collection method: clinical testing. Allele origin: germline.

GeneDx
Classification: Likely benign. Last evaluated: 2017-10-17. Review status: criteria provided, single submitter. Criteria: GeneDx Variant Classification (06012015). Collection method: clinical testing. Allele origin: germline. Affected: yes.
Comment: This variant is considered likely benign or benign based on one or more of the following criteria: it is a conservative change, it occurs at a poorly conserved position in the protein, it is predicted to be benign by multiple in silico algorithms, and/or has population frequency not consistent with disease.

Molecular Genetics Laboratory, London Health Sciences Centre
Classification: Likely benign for Charcot-Marie-Tooth disease. Review status: criteria provided, single submitter. Criteria: ACMG Guidelines, 2015. Collection method: clinical testing. Allele origin: germline. Affected: yes.

PreventionGenetics, part of Exact Sciences
Classification: Likely benign for MARS1-related condition. Last evaluated: 2019-12-31. Review status: no assertion criteria provided. Collection method: clinical testing. Allele origin: germline. Not counted in ClinVar's aggregate classification.
Comment: This variant is classified as likely benign based on ACMG/AMP sequence variant interpretation guidelines (Richards et al. 2015 PMID: 25741868, with internal and published modifications).

Dr. Peter K. Rogan Lab, Western University
No classification provided (evidence only). Condition: Clear cell carcinoma of kidney. Review status: no classification provided. Collection method: in vitro. Allele origin: not applicable. Functional consequence: retained intron. Not counted in ClinVar's aggregate classification.

Dr. Peter K. Rogan Lab, Western University
No classification provided (evidence only). Condition: Familial cancer of breast. Review status: no classification provided. Collection method: in vitro. Allele origin: not applicable. Functional consequence: retained intron. Not counted in ClinVar's aggregate classification.

Dr. Peter K. Rogan Lab, Western University
No classification provided (evidence only). Condition: Acute myeloid leukemia. Review status: no classification provided. Collection method: in vitro. Allele origin: not applicable. Functional consequence: skipped exon, retained intron. Not counted in ClinVar's aggregate classification.

Dr. Peter K. Rogan Lab, Western University
No classification provided (evidence only). Condition: Acute myeloid leukemia. Review status: no classification provided. Collection method: in vitro. Allele origin: not applicable. Functional consequence: retained intron. Not counted in ClinVar's aggregate classification.

Dr. Peter K. Rogan Lab, Western University
No classification provided (evidence only). Condition: Colon adenocarcinoma. Review status: no classification provided. Collection method: in vitro. Allele origin: not applicable. Functional consequence: retained intron. Not counted in ClinVar's aggregate classification.

Dr. Peter K. Rogan Lab, Western University
No classification provided (evidence only). Condition: Thyroid cancer, nonmedullary, 1. Review status: no classification provided. Collection method: in vitro. Allele origin: not applicable. Functional consequence: retained intron. Not counted in ClinVar's aggregate classification.

Dr. Peter K. Rogan Lab, Western University
No classification provided (evidence only). Condition: Uterine corpus endometrial carcinoma. Review status: no classification provided. Collection method: in vitro. Allele origin: not applicable. Functional consequence: retained intron. Not counted in ClinVar's aggregate classification.

Dr. Peter K. Rogan Lab, Western University
No classification provided (evidence only). Condition: Cervical cancer. Review status: no classification provided. Collection method: in vitro. Allele origin: not applicable. Functional consequence: retained intron. Not counted in ClinVar's aggregate classification.

Dr. Peter K. Rogan Lab, Western University
No classification provided (evidence only). Condition: Sarcoma. Review status: no classification provided. Collection method: in vitro. Allele origin: not applicable. Functional consequence: retained intron. Not counted in ClinVar's aggregate classification.

Dr. Peter K. Rogan Lab, Western University
No classification provided (evidence only). Condition: Ovarian serous cystadenocarcinoma. Review status: no classification provided. Collection method: in vitro. Allele origin: not applicable. Functional consequence: retained intron. Not counted in ClinVar's aggregate classification.

Dr. Peter K. Rogan Lab, Western University
No classification provided (evidence only). Condition: Ovarian serous cystadenocarcinoma. Review status: no classification provided. Collection method: in vitro. Allele origin: not applicable. Functional consequence: retained intron. Not counted in ClinVar's aggregate classification.

Dr. Peter K. Rogan Lab, Western University
No classification provided (evidence only). Condition: Uterine carcinosarcoma. Review status: no classification provided. Collection method: in vitro. Allele origin: not applicable. Functional consequence: retained intron. Not counted in ClinVar's aggregate classification.

NM_004990.4(MARS1):c.2391A>C (p.Thr797=)

Gene: MARS1 (methionyl-tRNA synthetase 1; plus strand). Cytogenetic location: 12q13.3.
Variant type: single nucleotide variant.
Coding change: c.2391A>C on transcript NM_004990.4 (MANE Select); coding-DNA position 2391, A replaced by C.
Protein change: p.Thr797=; no amino-acid change (threonine 797 retained).
Molecular consequence: synonymous variant.
Genome position (GRCh38, 1-based): chr12:57,515,336, A>C. VCF-style: chr12-57515336-A-C. GRCh37 (hg19) VCF-style: chr12-57909119-A-C.
Other names: p.Thr797=.
Identifiers: ClinVar variation 389593 (VCV000389593.53), dbSNP rs140573721, ClinGen allele CA6650784.